The following is an entry in ClinVar:

ClinVar aggregate classification (germline): Uncertain significance. Review status: criteria provided, multiple submitters, no conflicts (2 of 4 stars). 3 submissions from 3 submitters: Uncertain significance (3). Last evaluated 2024-11-27.

Conditions:
Autosomal recessive limb-girdle muscular dystrophy type 2J (LGMDR10). Also called: MUSCULAR DYSTROPHY, LIMB-GIRDLE, AUTOSOMAL RECESSIVE 10; Limb-girdle muscular dystrophy, type 2J. Identifiers: Orphanet 140922, MedGen C1837342, MONDO:0012127, OMIM 608807.
Dilated cardiomyopathy 1G (CMD1G). Identifiers: Orphanet 154, MedGen C1858763, MONDO:0011400, OMIM 604145.

Allele frequency attached by ClinVar (database versions not stated): gnomAD exomes below 0.00001; gnomAD 0.00001.
gnomAD v4.1: 2 of 1,604,482 alleles (0.00012%); highest among the groups gnomAD compares: African/African-American, 0.0013%; no homozygotes.

Submissions (3):

Labcorp Genetics (formerly Invitae), Labcorp
Classification: Uncertain significance for Dilated cardiomyopathy 1G; Autosomal recessive limb-girdle muscular dystrophy type 2J. Last evaluated: 2024-11-27. Review status: criteria provided, single submitter. Criteria: Invitae Variant Classification Sherloc (09022015). Collection method: clinical testing. Allele origin: germline.
Comment: This sequence change falls in intron 136 of the TTN gene. It does not directly change the encoded amino acid sequence of the TTN protein. It affects a nucleotide within the consensus splice site. This variant is not present in population databases (gnomAD no frequency). This variant has not been reported in the literature in individuals affected with TTN-related conditions. ClinVar contains an entry for this variant (Variation ID: 1308345). Variants that disrupt the consensus splice site are a relatively common cause of aberrant splicing (PMID: 17576681, 9536098). Algorithms developed to predict the effect of sequence changes on RNA splicing suggest that this variant may disrupt the consensus splice site. This variant is located in the I band of TTN (PMID: 25589632). Non-truncating variants in this region may be clinically relevant, but have not been definitively shown to cause cardiomyopathy or neuromuscular disease (PMID: 27493940, 32778822). In summary, the available evidence is currently insufficient to determine the role of this variant in disease. Therefore, it has been classified as a Variant of Uncertain Significance.

Revvity Omics, Revvity
Classification: Uncertain significance. Last evaluated: 2021-11-11. Review status: criteria provided, single submitter. Criteria: ACMG Guidelines, 2015. Collection method: clinical testing. Allele origin: germline.

GeneDx
Classification: Uncertain significance. Last evaluated: 2019-03-25. Review status: criteria provided, single submitter. Criteria: GeneDx Variant Classification Process June 2021. Collection method: clinical testing. Allele origin: germline. Affected: yes.
Comment: Not observed in large population cohorts (Lek et al., 2016); In silico analysis, which includes splice predictors and evolutionary conservation, supports a deleterious effect; Has not been previously published as pathogenic or benign to our knowledge; In the absence of RNA/functional studies, the actual effect of this sequence change is unknown

Literature cited by the submitters: PubMed 17576681 (cited by Labcorp Genetics (formerly Invitae), Labcorp); PubMed 9536098 (cited by Labcorp Genetics (formerly Invitae), Labcorp); PubMed 25589632 (cited by Labcorp Genetics (formerly Invitae), Labcorp); PubMed 27493940 (cited by Labcorp Genetics (formerly Invitae), Labcorp); PubMed 32778822 (cited by Labcorp Genetics (formerly Invitae), Labcorp).

NM_001267550.2(TTN):c.33172+3A>G

Gene: TTN (titin; minus strand). Cytogenetic location: 2q31.2.
Variant type: single nucleotide variant.
Coding change: c.33172+3A>G on transcript NM_001267550.2 (MANE Select); 3 bases into the intron after coding-DNA position 33172, A replaced by G.
Molecular consequence: intron variant.
Genome position (GRCh38, 1-based): chr2:178,681,658, T>C on the plus strand (A>G on the coding strand, the complement: TTN is on the minus strand). VCF-style: chr2-178681658-T-C. GRCh37 (hg19) VCF-style: chr2-179546385-T-C.
Other names: c.13283-39341A>G (NM_003319.4); c.13859-39341A>G (NM_133437.4); c.13658-39341A>G (NM_133432.3); c.29440+3A>G (NM_133378.4); c.32221+3A>G (NM_001256850.1).
Identifiers: ClinVar variation 1308345 (VCV001308345.9), dbSNP rs2069431645, ClinGen allele CA1039717503.